The following is an entry in ClinVar:

ClinVar aggregate classification (germline): Benign/Likely benign. Review status: criteria provided, multiple submitters, no conflicts (2 of 4 stars). 2 submissions from 2 submitters: Benign (1); Likely benign (1). Last evaluated 2025-03-05.

Allele frequency attached by ClinVar (database versions not stated): gnomAD below 0.00001 and 0.00042; TOPMed 0.00009; gnomAD exomes 0.00125; ExAC 0.00139; 1000 Genomes Project 30x 0.00312; 1000 Genomes Project 0.00339.
gnomAD v4.1: 974 of 1,613,194 alleles (0.06%); highest among the groups gnomAD compares: South Asian, 0.99%; 16 homozygotes.

Submissions (2):

Labcorp Genetics (formerly Invitae), Labcorp
Classification: Benign. Last evaluated: 2025-03-05. Review status: criteria provided, single submitter. Criteria: Invitae Variant Classification Sherloc (09022015). Collection method: clinical testing. Allele origin: germline.

CeGaT Center for Human Genetics Tuebingen
Classification: Likely benign. Last evaluated: 2024-10-01. Review status: criteria provided, single submitter. Criteria: CeGaT Center For Human Genetics Tuebingen Variant Classification Criteria Version 2. Collection method: clinical testing. Allele origin: germline. Affected: yes. Observed: 2 variant alleles.
Comment: PUS3: BP4, BP7, BS2

NM_031307.4(PUS3):c.1011C>T (p.Asp337=)

Genes: HYLS1 (HYLS1 centriolar and ciliogenesis associated; plus strand), PUS3 (pseudouridine synthase 3; minus strand). Cytogenetic location: 11q24.2.
Variant type: single nucleotide variant.
Coding change: c.1011C>T on transcript NM_031307.4 (MANE Select); coding-DNA position 1011, C replaced by T.
Protein change: p.Asp337=; no amino-acid change (aspartic acid 337 retained).
Molecular consequence: synonymous variant. On other transcripts: intron variant (5).
Genome position (GRCh38, 1-based): chr11:125,894,220, G>A on the plus strand (C>T on the coding strand, the complement: PUS3 is on the minus strand). VCF-style: chr11-125894220-G-A. GRCh37 (hg19) VCF-style: chr11-125764115-G-A.
Other names: c.387C>T, p.Asp129= (NM_001271985.2); c.-81+2748G>A (NM_145014.3); c.-26+2748G>A (NM_001134793.2); c.-23+2748G>A (NM_001424364.1); c.-25-5124G>A (NM_001377269.1); c.-22-5127G>A (NM_001377270.1).
Identifiers: ClinVar variation 741920 (VCV000741920.33), dbSNP rs200292412, ClinGen allele CA6350398.